The following is an entry in ClinVar:

NM_022489.4(INF2):c.1736-18C>T

Gene: INF2 (inverted formin 2; plus strand). Cytogenetic location: 14q32.33.
Variant type: single nucleotide variant.
Coding change: c.1736-18C>T on transcript NM_022489.4 (MANE Select); 18 bases into the intron before coding-DNA position 1736, C replaced by T.
Molecular consequence: intron variant.
Genome position (GRCh38, 1-based): chr14:104,708,418, C>T. VCF-style: chr14-104708418-C-T. GRCh37 (hg19) VCF-style: chr14-105174755-C-T.
Other names: c.1736-18C>T (NM_001031714.4).
Identifiers: ClinVar variation 261604 (VCV000261604.16), dbSNP rs199612826, ClinGen allele CA7372652.
Genomic context (GRCh38, chr14:104,708,418, plus strand): 5'-GAGGCTCCAGCCCCTGCCTGCTGGATCGCCAGGCCCCGGGGCTGCGAGAGCCTCACTGGC[C>T]GTGTCCCCACCCGACAGAGCACAACTCTATGTGGGCGTCCCTGAGCAGCCCCGACGCCGA-3'

ClinVar aggregate classification (germline): Benign/Likely benign. Review status: criteria provided, multiple submitters, no conflicts (2 of 4 stars). 7 submissions from 7 submitters: Benign (2); Likely benign (5). Last evaluated 2026-02-03.

Conditions:
Charcot-Marie-Tooth disease dominant intermediate E. Also called: CHARCOT-MARIE-TOOTH NEUROPATHY WITH FOCAL SEGMENTAL GLOMERULONEPHRITIS. Identifiers: Orphanet 93114, MedGen C4302667, MONDO:0013758, OMIM 614455.
Focal segmental glomerulosclerosis 5 (FSGS5). Identifiers: Orphanet 656, MedGen C2750475, MONDO:0013191, OMIM 613237.

Allele frequency attached by ClinVar (database versions not stated): gnomAD 0.00022; 1000 Genomes Project 30x 0.00031; 1000 Genomes Project 0.00040; TOPMed 0.00061.
gnomAD v4.1: 675 of 1,610,398 alleles (0.042%); highest among the groups gnomAD compares: Admixed American, 0.52%; 7 homozygotes.

Submissions (7):

Labcorp Genetics (formerly Invitae), Labcorp
Classification: Benign for Charcot-Marie-Tooth disease dominant intermediate E; Focal segmental glomerulosclerosis 5. Last evaluated: 2026-02-03. Review status: criteria provided, single submitter. Criteria: Invitae Variant Classification Sherloc (09022015). Collection method: clinical testing. Allele origin: germline.

ARUP Laboratories, Molecular Genetics and Genomics, ARUP Laboratories
Classification: Benign. Last evaluated: 2024-12-31. Review status: criteria provided, single submitter. Criteria: ARUP Molecular Germline Variant Investigation Process 2024. Collection method: clinical testing. Allele origin: germline.

Blueprint Genetics
Classification: Likely benign. Last evaluated: 2024-08-30. Review status: criteria provided, single submitter. Criteria: ACMG Guidelines, 2015. Collection method: clinical testing. Allele origin: germline.

Fulgent Genetics
Classification: Likely benign for Focal segmental glomerulosclerosis 5; Charcot-Marie-Tooth disease dominant intermediate E. Last evaluated: 2021-09-23. Review status: criteria provided, single submitter. Criteria: ACMG Guidelines, 2015. Collection method: clinical testing. Allele origin: unknown.

GeneDx
Classification: Likely benign. Last evaluated: 2017-03-03. Review status: criteria provided, single submitter. Criteria: GeneDx Variant Classification (06012015). Collection method: clinical testing. Allele origin: germline. Affected: yes.
Comment: This variant is considered likely benign or benign based on one or more of the following criteria: it is a conservative change, it occurs at a poorly conserved position in the protein, it is predicted to be benign by multiple in silico algorithms, and/or has population frequency not consistent with disease.

Breakthrough Genomics
Classification: Likely benign. Review status: criteria provided, single submitter. Criteria: ACMG Guidelines, 2015. Collection method: not provided. Allele origin: germline. Inheritance: Autosomal dominant inheritance. Affected: yes.

PreventionGenetics, part of Exact Sciences
Classification: Likely benign. Review status: criteria provided, single submitter. Criteria: ACMG Guidelines, 2015. Collection method: clinical testing. Allele origin: germline.